The following is an entry in ClinVar:

NM_025099.6(CTC1):c.1547C>T (p.Pro516Leu)

Gene: CTC1 (CST telomere replication complex component 1; minus strand). Cytogenetic location: 17p13.1.
Variant type: single nucleotide variant.
Coding change: c.1547C>T on transcript NM_025099.6 (MANE Select); coding-DNA position 1547, C replaced by T.
Protein change: p.Pro516Leu; replaces proline 516 with leucine.
Molecular consequence: missense variant. On other transcripts: non-coding transcript variant (1).
Genome position (GRCh38, 1-based): chr17:8,234,819, G>A on the plus strand (C>T on the coding strand, the complement: CTC1 is on the minus strand). VCF-style: chr17-8234819-G-A. GRCh37 (hg19) VCF-style: chr17-8138137-G-A.
Other names: short protein forms P516L.
Identifiers: ClinVar variation 951143 (VCV000951143.9), dbSNP rs747574053, ClinGen allele CA8372321.

ClinVar aggregate classification (germline): Uncertain significance (1 of 4 stars; one submission).

Conditions:
Dyskeratosis congenita. Identifiers: Orphanet 1775, MedGen C0265965, MONDO:0015780.

Allele frequency attached by ClinVar (database versions not stated): gnomAD exomes below 0.00001 and 0.00001; ExAC 0.00001; gnomAD 0.00001; TOPMed 0.00001.
gnomAD v4.1: 9 of 1,613,094 alleles (0.00056%); highest among the groups gnomAD compares: East Asian, 0.0045%; no homozygotes.

Submission:

Labcorp Genetics (formerly Invitae), Labcorp
Classification: Uncertain significance for Dyskeratosis congenita. Last evaluated: 2025-04-18. Review status: criteria provided, single submitter. Criteria: Invitae Variant Classification Sherloc (09022015). Collection method: clinical testing. Allele origin: germline.
Comment: This sequence change replaces proline, which is neutral and non-polar, with leucine, which is neutral and non-polar, at codon 516 of the CTC1 protein (p.Pro516Leu). This variant is present in population databases (rs747574053, gnomAD 0.006%). This variant has not been reported in the literature in individuals affected with CTC1-related conditions. ClinVar contains an entry for this variant (Variation ID: 951143). Invitae Evidence Modeling of protein sequence and biophysical properties (such as structural, functional, and spatial information, amino acid conservation, physicochemical variation, residue mobility, and thermodynamic stability) indicates that this missense variant is not expected to disrupt CTC1 protein function with a negative predictive value of 80%. In summary, the available evidence is currently insufficient to determine the role of this variant in disease. Therefore, it has been classified as a Variant of Uncertain Significance.